The following is an entry in ClinVar:

ClinVar aggregate classification (germline): Pathogenic. Review status: reviewed by expert panel (3 of 4 stars). 6 submissions from 6 submitters: Pathogenic (1). 5 of the submissions do not count toward it. Last evaluated 2023-02-18.

Conditions:
Hereditary cancer-predisposing syndrome. Also called: Hereditary neoplastic syndrome; Hereditary Cancer Syndrome; Tumor predisposition; Neoplastic Syndromes, Hereditary. Identifiers: Orphanet 140162, MedGen C0027672, MeSH D009386, MONDO:0015356.
Familial adenomatous polyposis 1 (FAP1). Also called: FAMILIAL ADENOMATOUS POLYPOSIS 1, ATTENUATED; POLYPOSIS, ADENOMATOUS INTESTINAL. Identifiers: MedGen C2713442, MONDO:0021056, OMIM 175100. Disease mechanism: loss of function.
Familial multiple polyposis syndrome (FAP). Also called: Familial adenomatous polyposis; Familial intestinal polyposis; Familial polyposis; Classic familial adenomatous polyposis; Familial Adenomatous Polyposis (FAP). Identifiers: Orphanet 733, MedGen C0032580, MONDO:0021055. Disease mechanism: loss of function.
Carcinoma of colon (CRC). Also called: Colon carcinoma; Colonic carcinoma. Identifiers: MedGen C0699790, MONDO:0002032.

Submissions (6):

ClinGen InSiGHT Hereditary Colorectal Cancer/Polyposis Variant Curation Expert Panel
Classification: Pathogenic for Familial adenomatous polyposis 1. Last evaluated: 2023-02-18. Review status: reviewed by expert panel. Criteria: ClinGen InSiGHT HCCP VCEP ACMG Specifications APC V1. Collection method: curation. Allele origin: germline. Inheritance: Autosomal dominant inheritance.
Comment: The c.532-8G>A variant in APC is an intronic variant which is located 8 nucleotides upstream of the splice acceptor site for exon 6. This variant has been reported in 3 families meeting phenotypic criteria, resulting in a total phenotype score of 2.5 (PS4_Moderate; Ambry internal data; Invitae internal data; Leiden, Bonn, PMID 24599579; PMID19196998). This variant is absent from gnomAD v2.1.1 (PM2_supporting). The results from more than 2 in silico splicing predictors (SpliceAI, MaxEntScan, VarSeak) indicate that this variant may affect splicing by disrupting the acceptor splice site of intron 5 of APC (PP3). RT-PCR and minigene assay demonstrate that this variant impacts splicing by creating a novel splice acceptor site six nucleotides upstream of the regular splice acceptor site of exon 6 which results in the inclusion of six nucleotides including a premature termination codon. A complete splice defect was confirmed using transcript-specific PCR and SNP analysis of c.1458T>C (PS3_VeryStrong; PMID 19196998). In summary, this variant meets the criteria to be classified as Pathogenic for FAP based on the ACMG/AMP criteria applied, as specified by the ClinGen InSiGHT Hereditary Colorectal Cancer/Polyposis Variant Curation Expert Panel: PS3_VeryStrong; PS4_moderate; PM2_supporting; PP3 (VCEP specifications version 1; date of approval: 12/12/2022).

Ambry Genetics
Classification: Pathogenic for Hereditary cancer-predisposing syndrome. Last evaluated: 2025-09-10. Review status: criteria provided, single submitter. Criteria: Ambry Variant Classification Scheme 2023. Collection method: clinical testing. Allele origin: germline. Not counted in ClinVar's aggregate classification.
Comment: The c.532-8G>A intronic pathogenic mutation results from a G to A substitution 8 nucleotides upstream from coding exon 5 in the APC gene. In addition, in vivo and in vitro evidence demonstrated this alteration results in the creation of a new acceptor splice site leading to the inclusion of 6 additional intronic nucleotides encoding for a premature stop codon at codon 179 (p.S179X) (Kaufamnn A et al. J Mol Diagn. 2009 Mar;11(2):131-9; Grandval P, et al. Hum. Mutat. 2014 May; 35(5):532-6). This nucleotide position is well conserved in available vertebrate species. In silico splice site analysis predicts that this alteration will weaken the native splice acceptor site and will result in the creation or strengthening of a novel splice acceptor site. RNA studies have demonstrated that this alteration results in abnormal splicing in the set of samples tested (Ambry internal data). This variant is considered to be rare based on population cohorts in the Genome Aggregation Database (gnomAD). Based on the supporting evidence, this variant is interpreted as a disease-causing mutation.

Myriad Genetics, Inc.
Classification: Likely pathogenic for Familial adenomatous polyposis 1. Last evaluated: 2023-04-27. Review status: criteria provided, single submitter. Criteria: Myriad Autosomal Dominant, Autosomal Recessive and X-Linked Classification Criteria (2023). Collection method: clinical testing. Allele origin: unknown. Not counted in ClinVar's aggregate classification.
Comment: This variant is considered likely pathogenic. mRNA analysis has demonstrated abnormal mRNA splicing occurs [PMID: 19196998].

Women's Health and Genetics/Laboratory Corporation of America, LabCorp
Classification: Likely pathogenic for Familial multiple polyposis syndrome. Last evaluated: 2022-09-06. Review status: criteria provided, single submitter. Criteria: LabCorp Variant Classification Summary - May 2015. Collection method: clinical testing. Allele origin: germline. Not counted in ClinVar's aggregate classification.
Comment: Variant summary: APC c.532-8G>A alters a non-conserved nucleotide located close to a canonical splice site and therefore could affect mRNA splicing, leading to a significantly altered protein sequence. Multiple computational tools predict a significant impact on normal splicing: Four predict the variant creates a cryptic 3' acceptor site, replacing the wildtype site and creating a premature stop codon. At least one publication reports experimental evidence that this variant affects mRNA splicing (Kaufmann_2009, Grandval_2014). The variant was absent in 247292 control chromosomes. c.532-8G>A has been reported in the literature in individuals affected with Familial Adenomatous Polyposis (Kaufmann_2009). Two clinical diagnostic laboratories have submitted clinical-significance assessments for this variant to ClinVar after 2014 without evidence for independent evaluation. All laboratories classified the variant as pathogenic/likely pathogenic. Based on the evidence outlined above, the variant was classified as likely pathogenic.

Labcorp Genetics (formerly Invitae), Labcorp
Classification: Likely pathogenic for Familial adenomatous polyposis 1. Last evaluated: 2020-11-02. Review status: criteria provided, single submitter. Criteria: Invitae Variant Classification Sherloc (09022015). Collection method: clinical testing. Allele origin: germline. Not counted in ClinVar's aggregate classification.
Comment: This sequence change falls in intron 5 of the APC gene. It does not directly change the encoded amino acid sequence of the APC protein. RNA analysis indicates that this variant induces altered splicing and may result in an absent or disrupted protein product. In summary, the currently available evidence indicates that the variant is pathogenic, but additional data are needed to prove that conclusively. Therefore, this variant has been classified as Likely Pathogenic. Studies have shown that this variant is associated with aberrant splicing resulting in the inclusion of the last 6 nucleotides of intron 4, which introduces a premature termination codon (PMID: 24599579). The resulting mRNA is expected to undergo nonsense-mediated decay. This variant has been observed in individual(s) with familial adenomatous polyposis (PMID: 19196998). It has also been observed to segregate with disease in related individuals. This variant is not present in population databases (ExAC no frequency).

Department of Pathology and Laboratory Medicine, Sinai Health System
Classification: Likely pathogenic for Carcinoma of colon. Review status: no assertion criteria provided. Collection method: clinical testing. Allele origin: unknown. Affected: yes. Observed: 1 variant allele. Study: The Canadian Open Genetics Repository (COGR). Not counted in ClinVar's aggregate classification.
Comment: The variant was also identified InSiGHT Colon Cancer Gene Variant Database 3x as a splice mutation, and UMD (2x as a causal variant). The variant was not found in dbSNP, NHLBI Exome Sequencing Project (Exome Variant Server), Exome Aggregation Consortium (ExAC) database, Clinvitae database, COSMIC, â€šÃ„ÃºMismatch Repair Genes Variant Databaseâ€šÃ„Ã¹, â€šÃ„ÃºMMR Gene Unclassified Variants Databaseâ€šÃ„Ã¹, â€šÃ„ÃºZhejiang Colon Cancer Databaseâ€šÃ„Ã¹, the ClinVar database, or GeneInsight COGR database. The variant occurs outside of the splicing consensus sequence and 5 of 5 in silico or computational prediction software programs (SpliceSiteFinder, MaxEntScan, NNSPLICE, GeneSplicer, HumanSpliceFinder) predict a greater than 10% difference in splicing. However, this information is not predictive enough to assume pathogenicity. A functional study by Kaufmann (2009) found that the variant introduced a new splice acceptor site, creating a premature stop codon because of aberrant splicing producing an out-of-frame transcript. In summary, based on the above information, the clinical significance of this variant cannot be determined with certainty at this time although we would lean towards a more pathogenic role for this variant. This variant is classified as predicted pathogenic.

Literature cited by the submitters: PubMed 19196998 (cited by 4 submitters); PubMed 24599579 (cited by 3 submitters).

NM_000038.6(APC):c.532-8G>A

Gene: APC (APC regulator of Wnt signaling pathway; plus strand). Cytogenetic location: 5q22.2.
Variant type: single nucleotide variant.
Coding change: c.532-8G>A on transcript NM_000038.6 (MANE Select); 8 bases into the intron before coding-DNA position 532, G replaced by A.
Molecular consequence: intron variant.
Genome position (GRCh38, 1-based): chr5:112,780,782, G>A. VCF-style: chr5-112780782-G-A. GRCh37 (hg19) VCF-style: chr5-112116479-G-A.
Other names: c.532-8G>A (NM_001354895.2, NM_001127510.3, NM_001354896.2 and 2 more transcripts); c.562-8G>A (NM_001354897.2, NM_001354902.2, NM_001127511.3); c.457-8G>A (NM_001354898.2, NM_001354904.2); c.-504-8G>A (NM_001354906.2); c.355-8G>A (NM_001354900.2, NM_001354901.2, NM_001354905.2).
Identifiers: ClinVar variation 411469 (VCV000411469.19), dbSNP rs1060503323, ClinGen allele CA16611747.